The following is an entry in ClinVar:

NM_024721.5(ZFHX4):c.10344del (p.Gln3448fs)

Gene: ZFHX4 (zinc finger homeobox 4; plus strand). Cytogenetic location: 8q21.13.
Variant type: Deletion.
Coding change: c.10344del on transcript NM_024721.5 (MANE Select); coding-DNA position 10344, one base deleted (G; older notation c.10344delG).
Protein change: p.Gln3448fs; shifts the reading frame from glutamine 3448.
Molecular consequence: frameshift variant.
Genome position (GRCh38, 1-based): chr8:76,864,058, G deleted. VCF-style (leftmost placement, unchanged base first): chr8-76864057-AG-A. GRCh37 (hg19) VCF-style: chr8-77776293-AG-A.
Other names: c.10266del, p.Gln3422fs (NM_001410934.1); short protein forms Q3422fs, Q3448fs.
Identifiers: ClinVar variation 4879265 (VCV004879265.1).

ClinVar aggregate classification (germline): Uncertain significance (1 of 4 stars; one submission).

Conditions:
ZFHX4-related disorder. Also called: ZFHX4-related condition.

Submission:

Clinical Genomics Laboratory, Washington University in St. Louis
Classification: Uncertain significance for ZFHX4-related disorder. Last evaluated: 2026-04-10. Review status: criteria provided, single submitter. Criteria: ACMG Guidelines, 2015. Collection method: clinical testing. Allele origin: germline.
Comment: The ZFHX4 c.10344del (p.Gln3448Hisfs*33) variant, to our knowledge, has not been reported in the medical literature. This variant is absent from the general population (gnomAD v2.1.1), indicating it is not a common variant. This variant causes a frameshift by deleting one nucleotide, leading to a premature termination codon; however, because this occurs in the last exon, this is not predicted to lead to nonsense-mediated decay. Due to limited information, and based on ACMG/AMP guidelines for variant interpretation (Richards S et al., PMID: 25741868), the clinical significance of this variant is uncertain at this time.

Literature cited by the submitters: PubMed 29463886; PubMed 34461323; PubMed 21802062; PubMed 39148819; PubMed 24038936.